The following is an entry in ClinVar:

ClinVar aggregate classification (germline): Uncertain significance (1 of 4 stars; one submission).

Conditions:
Atrioventricular septal defect 4 (AVSD4). Identifiers: MedGen C3280781, MONDO:0013747, OMIM 614430.

gnomAD v4.1: 11 of 1,614,054 alleles (0.00068%); highest among the groups gnomAD compares: Non-Finnish European, 0.00076%; no homozygotes.

Submission:

Labcorp Genetics (formerly Invitae), Labcorp
Classification: Uncertain significance for Atrioventricular septal defect 4. Last evaluated: 2025-06-16. Review status: criteria provided, single submitter. Criteria: Invitae Variant Classification Sherloc (09022015). Collection method: clinical testing. Allele origin: germline.
Comment: This sequence change replaces serine, which is neutral and polar, with asparagine, which is neutral and polar, at codon 337 of the GATA4 protein (p.Ser337Asn). This variant is present in population databases (rs758117383, gnomAD 0.007%). This variant has not been reported in the literature in individuals affected with GATA4-related conditions. ClinVar contains an entry for this variant (Variation ID: 3694060). Invitae Evidence Modeling of protein sequence and biophysical properties (such as structural, functional, and spatial information, amino acid conservation, physicochemical variation, residue mobility, and thermodynamic stability) indicates that this missense variant is not expected to disrupt GATA4 protein function with a negative predictive value of 95%. In summary, the available evidence is currently insufficient to determine the role of this variant in disease. Therefore, it has been classified as a Variant of Uncertain Significance.

NM_001308093.3(GATA4):c.1013G>A (p.Ser338Asn)

Gene: GATA4 (GATA binding protein 4). Cytogenetic location: 8p23.1.
Variant type: single nucleotide variant.
Coding change: c.1013G>A on transcript NM_001308093.3 (MANE Select); coding-DNA position 1013, G replaced by A.
Protein change: p.Ser338Asn; replaces serine 338 with asparagine.
Molecular consequence: missense variant.
Genome position (GRCh38, 1-based): chr8:11,756,947, G>A. VCF-style: chr8-11756947-G-A. GRCh37 (hg19) VCF-style: chr8-11614456-G-A.
Other names: c.266G>A, p.Ser89Asn (NM_001374274.1); c.1010G>A, p.Ser337Asn (NM_002052.5); c.392G>A, p.Ser131Asn (NM_001308094.2, NM_001374273.1); short protein forms S131N, S89N, S338N, S337N.
Identifiers: ClinVar variation 3694060 (VCV003694060.2).
Genomic context (GRCh38, chr8:11,756,947, plus strand): 5'-GTTTGTCCCTGCCGCTGATTTGGGTGTGCTGACTCTGCTTCATTCCAGCTCCTTCAGGCA[G>A]TGAGAGCCTTCCTCCCGCCAGCGGTGCTTCCAGCAACTCCAGCAACGCCACCACCAGCAG-3'
Protein context (NP_001295022.1, residues 328-348): KSKTPAAPSG[Ser338Asn]ESLPPASGAS